The following is an entry in ClinVar:

NM_152643.8(KNDC1):c.856G>A (p.Glu286Lys)

Gene: KNDC1 (kinase non-catalytic C-lobe domain containing 1; plus strand). Cytogenetic location: 10q26.3.
Variant type: single nucleotide variant.
Coding change: c.856G>A on transcript NM_152643.8 (MANE Select); coding-DNA position 856, G replaced by A.
Protein change: p.Glu286Lys; replaces glutamic acid 286 with lysine.
Molecular consequence: missense variant.
Genome position (GRCh38, 1-based): chr10:133,186,204, G>A. VCF-style: chr10-133186204-G-A. GRCh37 (hg19) VCF-style: chr10-134999708-G-A.
Other names: short protein forms E286K.
Identifiers: ClinVar variation 3257617 (VCV003257617.17).

ClinVar aggregate classification (germline): Likely benign (1 of 4 stars; one submission).

gnomAD v4.1: 3,213 of 1,572,904 alleles (0.2%); highest among the groups gnomAD compares: Non-Finnish European, 0.2%; 31 homozygotes.

Submission:

CeGaT Center for Human Genetics Tuebingen
Classification: Likely benign. Last evaluated: 2024-07-01. Review status: criteria provided, single submitter. Criteria: CeGaT Center For Human Genetics Tuebingen Variant Classification Criteria Version 2. Collection method: clinical testing. Allele origin: germline. Affected: yes. Observed: 1 variant allele.
Comment: KNDC1: BP4, BS2